The following is an entry in ClinVar:

ClinVar aggregate classification (germline): Benign/Likely benign. Review status: criteria provided, multiple submitters, no conflicts (2 of 4 stars). 2 submissions from 2 submitters: Benign (1); Likely benign (1). Last evaluated 2022-07-01.

Allele frequency attached by ClinVar (database versions not stated): ExAC 0.00096; gnomAD exomes 0.00106 and 0.00085; gnomAD 0.00059 and 0.00062; TOPMed 0.00071; ESP Exome Variant Server 0.00077; 1000 Genomes Project 30x 0.00078; 1000 Genomes Project 0.00080.
gnomAD v4.1: 1,659 of 1,610,794 alleles (0.1%); highest among the groups gnomAD compares: Non-Finnish European, 0.12%; 4 homozygotes.

Submissions (2):

CeGaT Center for Human Genetics Tuebingen
Classification: Likely benign. Last evaluated: 2022-07-01. Review status: criteria provided, single submitter. Criteria: CeGaT Center For Human Genetics Tuebingen Variant Classification Criteria Version 2. Collection method: clinical testing. Allele origin: germline. Affected: yes. Observed: 1 variant allele.
Comment: DNAJC3: BP4, BP7

Labcorp Genetics (formerly Invitae), Labcorp
Classification: Benign. Last evaluated: 2019-12-31. Review status: criteria provided, single submitter. Criteria: Invitae Variant Classification Sherloc (09022015). Collection method: clinical testing. Allele origin: germline.

NM_006260.5(DNAJC3):c.1242C>T (p.Tyr414=)

Gene: DNAJC3 (DnaJ heat shock protein family (Hsp40) member C3; plus strand). Cytogenetic location: 13q32.1.
Variant type: single nucleotide variant.
Coding change: c.1242C>T on transcript NM_006260.5 (MANE Select); coding-DNA position 1242, C replaced by T.
Protein change: p.Tyr414=; no amino-acid change (tyrosine 414 retained).
Molecular consequence: synonymous variant.
Genome position (GRCh38, 1-based): chr13:95,787,040, C>T. VCF-style: chr13-95787040-C-T. GRCh37 (hg19) VCF-style: chr13-96439294-C-T.
Identifiers: ClinVar variation 737726 (VCV000737726.28), dbSNP rs138435112, ClinGen allele CA7021569.
Genomic context (GRCh38, chr13:95,787,040, plus strand): 5'-ATGATTATTTATTTTACCACCCCTCAGAAATGCCAAAAAGCAAGAAATTATTAAAGCATA[C>T]CGAAAATTAGCACTGCAGTGGCACCCAGATAACTTCCAGAATGAAGAAGAAAAGAAAAAA-3'
Protein context (NP_006251.1, residues 404-424): NAKKQEIIKA[Tyr414=]RKLALQWHPD